The following is an entry in ClinVar:

ClinVar aggregate classification (germline): Uncertain significance (1 of 4 stars; one submission).

Conditions:
Emery-Dreifuss muscular dystrophy 4, autosomal dominant (EDMD4). Also called: EMERY-DREIFUSS MUSCULAR DYSTROPHY 4 WITH VARIABLE FEATURES. Identifiers: Orphanet 261, MedGen C2751807, MONDO:0013071, OMIM 612998.
Autosomal recessive ataxia, Beauce type. Also called: SYNE1-Related Autosomal Recessive Cerebellar Ataxia; SYNE1 Deficiency; Spinocerebellar ataxia, autosomal recessive 8; ATAXIA, RECESSIVE, OF BEAUCE. Identifiers: Orphanet 88644, MedGen C1853116, MONDO:0012549, OMIM 610743.

Allele frequency attached by ClinVar (database versions not stated): gnomAD exomes below 0.00001; ExAC 0.00002; TOPMed 0.00002.
gnomAD v4.1: 6 of 1,614,208 alleles (0.00037%); highest among the groups gnomAD compares: East Asian, 0.011%; no homozygotes.

Submission:

Labcorp Genetics (formerly Invitae), Labcorp
Classification: Uncertain significance for Emery-Dreifuss muscular dystrophy 4, autosomal dominant; Autosomal recessive ataxia, Beauce type. Last evaluated: 2022-10-10. Review status: criteria provided, single submitter. Criteria: Invitae Variant Classification Sherloc (09022015). Collection method: clinical testing. Allele origin: germline.
Comment: In summary, the available evidence is currently insufficient to determine the role of this variant in disease. Therefore, it has been classified as a Variant of Uncertain Significance. Algorithms developed to predict the effect of missense changes on protein structure and function (SIFT, PolyPhen-2, Align-GVGD) all suggest that this variant is likely to be disruptive. This variant has not been reported in the literature in individuals affected with SYNE1-related conditions. This variant is present in population databases (rs769887942, gnomAD 0.02%). This sequence change replaces aspartic acid, which is acidic and polar, with tyrosine, which is neutral and polar, at codon 4343 of the SYNE1 protein (p.Asp4343Tyr).

NM_182961.4(SYNE1):c.13240G>T (p.Asp4414Tyr)

Gene: SYNE1 (spectrin repeat containing nuclear envelope protein 1; minus strand). Cytogenetic location: 6q25.2.
Variant type: single nucleotide variant.
Coding change: c.13240G>T on transcript NM_182961.4 (MANE Select); coding-DNA position 13240, G replaced by T.
Protein change: p.Asp4414Tyr; replaces aspartic acid 4414 with tyrosine.
Molecular consequence: missense variant.
Genome position (GRCh38, 1-based): chr6:152,331,445, C>A on the plus strand (G>T on the coding strand, the complement: SYNE1 is on the minus strand). VCF-style: chr6-152331445-C-A. GRCh37 (hg19) VCF-style: chr6-152652580-C-A.
Other names: c.13027G>T, p.Asp4343Tyr (NM_033071.5); short protein forms D4343Y, D4414Y.
Identifiers: ClinVar variation 1927811 (VCV001927811.5), dbSNP rs769887942, ClinGen allele CA4056218.